The following is an entry in ClinVar:

NM_001849.4(COL6A2):c.1424G>A (p.Gly475Asp)

Gene: COL6A2 (collagen type VI alpha 2 chain; plus strand). Cytogenetic location: 21q22.3.
Variant type: single nucleotide variant.
Coding change: c.1424G>A on transcript NM_001849.4 (MANE Select); coding-DNA position 1424, G replaced by A.
Protein change: p.Gly475Asp; replaces glycine 475 with aspartic acid.
Molecular consequence: missense variant.
Genome position (GRCh38, 1-based): chr21:46,121,089, G>A. VCF-style: chr21-46121089-G-A. GRCh37 (hg19) VCF-style: chr21-47541003-G-A.
Other names: c.1424G>A, p.Gly475Asp (NM_058174.3, NM_058175.3); short protein forms G475D.
Identifiers: ClinVar variation 1056608 (VCV001056608.11), dbSNP rs2123645059, ClinGen allele CA410531497.

ClinVar aggregate classification (germline): Uncertain significance (1 of 4 stars; one submission).

Conditions:
Bethlem myopathy 1A. Also called: Bethlem Muscular Dystrophy; MYOPATHY, BENIGN CONGENITAL, WITH CONTRACTURES; Bethlem myopathy 1. Identifiers: Orphanet 610, MedGen CN029274, MONDO:0024530, OMIM 158810.

Submission:

Labcorp Genetics (formerly Invitae), Labcorp
Classification: Uncertain significance for Bethlem myopathy 1A. Last evaluated: 2025-11-03. Review status: criteria provided, single submitter. Criteria: Invitae Variant Classification Sherloc (09022015). Collection method: clinical testing. Allele origin: germline.
Comment: This sequence change replaces glycine, which is neutral and non-polar, with aspartic acid, which is acidic and polar, at codon 475 of the COL6A2 protein (p.Gly475Asp). This variant is not present in population databases (gnomAD no frequency). This variant has not been reported in the literature in individuals affected with COL6A2-related conditions. ClinVar contains an entry for this variant (Variation ID: 1056608). Invitae Evidence Modeling of protein sequence and biophysical properties (such as structural, functional, and spatial information, amino acid conservation, physicochemical variation, residue mobility, and thermodynamic stability) indicates that this missense variant is expected to disrupt COL6A2 protein function with a positive predictive value of 80%. In summary, the available evidence is currently insufficient to determine the role of this variant in disease. Therefore, it has been classified as a Variant of Uncertain Significance.